The following is an entry in ClinVar:

NC_000010.11:g.(?_110780791)_(110823624_?)del

Genes: RBM20 (RNA binding motif protein 20; plus strand), LOC130004734 (ATAC-STARR-seq lymphoblastoid active region 4043; plus strand). Cytogenetic location: 10q25.2.
Variant type: Deletion.
Identifiers: ClinVar variation 650704 (VCV000650704.1).

ClinVar aggregate classification (germline): Uncertain significance (1 of 4 stars; one submission).

Conditions:
Dilated cardiomyopathy 1DD (CMD1DD). Identifiers: Orphanet 154, MedGen C2750995, MONDO:0013168, OMIM 613172.

Submission:

Labcorp Genetics (formerly Invitae), Labcorp
Classification: Uncertain significance for Dilated cardiomyopathy 1DD. Last evaluated: 2018-10-23. Review status: criteria provided, single submitter. Criteria: Invitae Variant Classification Sherloc (09022015). Collection method: clinical testing. Allele origin: germline.
Comment: This variant is an out-of-frame deletion of the genomic region encompassing exons 2-12 of the RBM20 gene. This is expected to create a premature translational stop signal and result in an absent or disrupted protein product. This variant has not been reported in the literature in individuals with RBM20-related disease. The current clinical and genetic evidence is not sufficient to establish whether loss-of-function variants in RBM20 cause disease. In summary, the available evidence is currently insufficient to determine the role of this variant in disease. Therefore, it has been classified as a Variant of Uncertain Significance.